The following is an entry in ClinVar:

ClinVar aggregate classification (germline): Uncertain significance. Review status: criteria provided, multiple submitters, no conflicts (2 of 4 stars). 3 submissions from 3 submitters: Uncertain significance (2). 1 of the submissions does not count toward it. Last evaluated 2023-12-05.

Conditions:
Hereditary cancer-predisposing syndrome. Also called: Tumor predisposition; Neoplastic Syndromes, Hereditary; Hereditary Cancer Syndrome; Hereditary neoplastic syndrome. Identifiers: Orphanet 140162, MedGen C0027672, MeSH D009386, MONDO:0015356.
Ataxia-telangiectasia syndrome (AT). Also called: Ataxia-telangiectasia; Ataxia-telangiectasia, complementation group D; AT, COMPLEMENTATION GROUP C; LOUIS-BAR SYNDROME; Cerebello-oculocutaneous telangiectasia; Immunodeficiency with ataxia telangiectasia. Identifiers: Orphanet 100, MedGen C0004135, MONDO:0008840, OMIM 208900.

Allele frequency attached by ClinVar (database versions not stated): gnomAD exomes below 0.00001.
gnomAD v4.1: 1 of 1,611,640 alleles (0.000062%); no homozygotes.

Submissions (3):

Color Diagnostics, LLC DBA Color Health
Classification: Uncertain significance for Hereditary cancer-predisposing syndrome. Last evaluated: 2023-12-05. Review status: criteria provided, single submitter. Criteria: ACMG Guidelines, 2015. Collection method: clinical testing. Allele origin: germline.
Comment: This missense variant replaces leucine with phenylalanine at codon 599 of the ATM protein. Computational prediction suggests that this variant may not impact protein structure and function (internally defined REVEL score threshold <= 0.5, PMID: 27666373). To our knowledge, functional studies have not been reported for this variant. This variant has not been reported in individuals affected with ATM-related disorders in the literature. This variant has been identified in 1/249576 chromosomes in the general population by the Genome Aggregation Database (gnomAD). The available evidence is insufficient to determine the role of this variant in disease conclusively. Therefore, this variant is classified as a Variant of Uncertain Significance.

Labcorp Genetics (formerly Invitae), Labcorp
Classification: Uncertain significance for Ataxia-telangiectasia syndrome. Last evaluated: 2018-10-24. Review status: criteria provided, single submitter. Criteria: Invitae Variant Classification Sherloc (09022015). Collection method: clinical testing. Allele origin: germline.
Comment: In summary, the available evidence is currently insufficient to determine the role of this variant in disease. Therefore, it has been classified as a Variant of Uncertain Significance. Algorithms developed to predict the effect of missense changes on protein structure and function output the following: SIFT: "Tolerated"; PolyPhen-2: "Benign"; Align-GVGD: "Class C0". The phenylalanine amino acid residue is found in multiple mammalian species, suggesting that this missense change does not adversely affect protein function. These predictions have not been confirmed by published functional studies and their clinical significance is uncertain. This variant has not been reported in the literature in individuals with ATM-related disease. ClinVar contains an entry for this variant (Variation ID: 490434). This variant is not present in population databases (ExAC no frequency). This sequence change replaces leucine with phenylalanine at codon 599 of the ATM protein (p.Leu599Phe). The leucine residue is moderately conserved and there is a small physicochemical difference between leucine and phenylalanine.

Natera, Inc.
Classification: Uncertain significance for Ataxia-telangiectasia. Last evaluated: 2021-01-05. Review status: no assertion criteria provided. Collection method: clinical testing. Allele origin: germline. Not counted in ClinVar's aggregate classification.

NM_000051.4(ATM):c.1795C>T (p.Leu599Phe)

Gene: ATM (ATM serine/threonine kinase; plus strand). Cytogenetic location: 11q22.3.
Variant type: single nucleotide variant.
Coding change: c.1795C>T on transcript NM_000051.4 (MANE Select); coding-DNA position 1795, C replaced by T.
Protein change: p.Leu599Phe; replaces leucine 599 with phenylalanine.
Molecular consequence: missense variant.
Genome position (GRCh38, 1-based): chr11:108,252,024, C>T. VCF-style: chr11-108252024-C-T. GRCh37 (hg19) VCF-style: chr11-108122751-C-T.
Other names: c.1795C>T, p.Leu599Phe (NM_001351834.2); short protein forms L599F.
Identifiers: ClinVar variation 490434 (VCV000490434.19), dbSNP rs1312313805, ClinGen allele CA382535570.